The following is an entry in ClinVar:

ClinVar aggregate classification (germline): Likely benign (1 of 4 stars; one submission).

Allele frequency attached by ClinVar (database versions not stated): gnomAD exomes below 0.00001; gnomAD 0.00001.
gnomAD v4.1: 6 of 1,604,680 alleles (0.00037%); highest among the groups gnomAD compares: East Asian, 0.0022%; no homozygotes.

Submission:

CeGaT Center for Human Genetics Tuebingen
Classification: Likely benign. Last evaluated: 2023-08-01. Review status: criteria provided, single submitter. Criteria: CeGaT Center For Human Genetics Tuebingen Variant Classification Criteria Version 2. Collection method: clinical testing. Allele origin: germline. Affected: yes. Observed: 1 variant allele.
Comment: ATP2B2: BP4, BP7

NM_001001331.4(ATP2B2):c.393C>T (p.Asn131=)

Gene: ATP2B2 (ATPase plasma membrane Ca2+ transporting 2; minus strand). Cytogenetic location: 3p25.3.
Variant type: single nucleotide variant.
Coding change: c.393C>T on transcript NM_001001331.4 (MANE Select); coding-DNA position 393, C replaced by T.
Protein change: p.Asn131=; no amino-acid change (asparagine 131 retained).
Molecular consequence: synonymous variant.
Genome position (GRCh38, 1-based): chr3:10,410,622, G>A on the plus strand (C>T on the coding strand, the complement: ATP2B2 is on the minus strand). VCF-style: chr3-10410622-G-A. GRCh37 (hg19) VCF-style: chr3-10452306-G-A.
Other names: c.393C>T, p.Asn131= (NM_001330611.3, NM_001353564.1, NM_001363862.1 and 1 more transcripts).
Identifiers: ClinVar variation 2653524 (VCV002653524.24), dbSNP rs1445559195, ClinGen allele CA432442190.